The following is an entry in ClinVar:

NM_000702.4(ATP1A2):c.1959C>T (p.Asn653=)

Gene: ATP1A2 (ATPase Na+/K+ transporting subunit alpha 2; plus strand). Cytogenetic location: 1q23.2.
Variant type: single nucleotide variant.
Coding change: c.1959C>T on transcript NM_000702.4 (MANE Select); coding-DNA position 1959, C replaced by T.
Protein change: p.Asn653=; no amino-acid change (asparagine 653 retained).
Molecular consequence: synonymous variant.
Genome position (GRCh38, 1-based): chr1:160,134,615, C>T. VCF-style: chr1-160134615-C-T. GRCh37 (hg19) VCF-style: chr1-160104405-C-T.
Identifiers: ClinVar variation 668382 (VCV000668382.3), dbSNP rs768301089, ClinGen allele CA31500474.

ClinVar aggregate classification (germline): Likely benign. Review status: criteria provided, multiple submitters, no conflicts (2 of 4 stars). 2 submissions from 2 submitters: Likely benign (2). Last evaluated 2024-08-17.

Conditions:
Familial hemiplegic migraine. Identifiers: MedGen C0338484, MONDO:0000700.

Submissions (2):

Labcorp Genetics (formerly Invitae), Labcorp
Classification: Likely benign for Familial hemiplegic migraine. Last evaluated: 2024-08-17. Review status: criteria provided, single submitter. Criteria: Invitae Variant Classification Sherloc (09022015). Collection method: clinical testing. Allele origin: germline.

GeneDx
Classification: Likely benign. Last evaluated: 2018-05-14. Review status: criteria provided, single submitter. Criteria: GeneDx Variant Classification (06012015). Collection method: clinical testing. Allele origin: germline. Affected: yes.
Comment: This variant is considered likely benign or benign based on one or more of the following criteria: it is a conservative change, it occurs at a poorly conserved position in the protein, it is predicted to be benign by multiple in silico algorithms, and/or has population frequency not consistent with disease.